The following is an entry in ClinVar:

ClinVar aggregate classification (germline): Uncertain significance (1 of 4 stars; one submission).

Conditions:
Intellectual developmental disorder with seizures and language delay (IDDSELD). Identifiers: MedGen C5436574, MONDO:0033559, OMIM 619000.

Submission:

Victorian Clinical Genetics Services, Murdoch Childrens Research Institute
Classification: Uncertain significance for Intellectual developmental disorder with seizures and language delay. Last evaluated: 2020-05-25. Review status: criteria provided, single submitter. Criteria: ACMG Guidelines, 2015. Collection method: clinical testing. Allele origin: germline. Inheritance: Autosomal dominant inheritance. Affected: yes.
Comment: Based on the classification scheme VCGS_Germline_v1.1.1, this variant is classified as 3B-VUS. Following criteria are met: 0102 - Loss-of-function is a known mechanism of disease for this gene. (N) 0107 - This gene is known to be associated with autosomal dominant disease. (N) 0200 - Variant is predicted to result in a missense amino acid change from histidine to glutamine (exon 3). (N) 0251 - Variant is heterozygous. (N) 0301 - Variant is absent from gnomAD. (P) 0502 - Missense variant with conflicting in silico predictions and/or uninformative conservation. (N) 0600 - Variant is located in an annotated domain or motif (RRM_Set1B domain (NCBI, PDB)). (N) 0705 - No comparable variants have previous evidence for pathogenicity. (N) 0807 - Variant has not previously been reported in a clinical context. (N) 0905 - No segregation evidence has been identified for this variant. (N) 1007 - No published functional evidence has been identified for this variant. (N) 1208 - Segregation information for this variant is not currently available. (N) Legend: (P) - Pathogenic, (N) - Neutral, (B) - Benign

NM_001353345.2(SETD1B):c.489C>G (p.His163Gln)

Gene: SETD1B (SET domain containing 1B, histone lysine methyltransferase; plus strand). Cytogenetic location: 12q24.31.
Variant type: single nucleotide variant.
Coding change: c.489C>G on transcript NM_001353345.2 (MANE Select); coding-DNA position 489, C replaced by G.
Protein change: p.His163Gln; replaces histidine 163 with glutamine.
Molecular consequence: missense variant.
Genome position (GRCh38, 1-based): chr12:121,806,050, C>G. VCF-style: chr12-121806050-C-G. GRCh37 (hg19) VCF-style: chr12-122243956-C-G.
Other names: short protein forms H163Q.
Identifiers: ClinVar variation 1805554 (VCV001805554.1), dbSNP rs1396930004, ClinGen allele CA386988363.
Genomic context (GRCh38, chr12:121,806,050, plus strand): 5'-CCTGGGCATCGCCAAGGTGGTCTTTGCCACGGTCCGGGGAGCCAAGGATGCCGTTCAGCA[C>G]TTGCACAGCACTTCCGTCATGGGCAACATTATCCACGTGGAGCTGGACACCAAAGGTGAG-3'
Protein context (NP_001340274.1, residues 153-173): TVRGAKDAVQ[His163Gln]LHSTSVMGNI